The following is an entry in ClinVar:

NM_021147.5(CCNO):c.248_252dup (p.Gly85fs)

Genes: CCNO (cyclin O; minus strand), LOC129993895 (ATAC-STARR-seq lymphoblastoid silent region 16013; plus strand). Cytogenetic location: 5q11.2.
Variant type: Duplication.
Coding change: c.248_252dup on transcript NM_021147.5 (MANE Select); coding-DNA positions 248 to 252, 5 bases duplicated (TGCCC; older notation c.248_252dupTGCCC).
Protein change: p.Gly85fs; shifts the reading frame from glycine 85.
Molecular consequence: frameshift variant. On other transcripts: non-coding transcript variant (2).
Genome position (GRCh38, 1-based): chr5:55,233,272-55,233,276, GGGCA duplicated on the plus strand (TGCCC on the coding strand, the reverse complement: CCNO is on the minus strand); duplicating any 5 consecutive bases within chr5:55,233,272-55,233,279 gives the same sequence; the c. name uses the placement nearest the transcript's 3' end. VCF-style (leftmost placement, unchanged base first): chr5-55233271-C-CGGGCA. GRCh37 (hg19) VCF-style: chr5-54529099-C-CGGGCA.
Other names: c.248_252dup5 (NM_021147.4); short protein forms G85fs.
Identifiers: ClinVar variation 139599 (VCV000139599.22), dbSNP rs587777498, ClinGen allele CA163288.
Genomic context (GRCh38, chr5:55,233,271, plus strand): 5'-AGCTCTGGCCGTAGTCGCGGAAGGTCTGTAGATCTAGCTGCGCCACGGGCTGGGCCGGGC[C>CGGGCA]GGGCAGGGGGCTACCACCCCGCGCCGCAGAGGGGCTCTCTGCGCCGTCTGAGCCGGAGCT-3'

ClinVar aggregate classification (germline): Pathogenic. Review status: criteria provided, multiple submitters, no conflicts (2 of 4 stars). 14 submissions from 14 submitters: Pathogenic (12). 2 of the submissions do not count toward it. Last evaluated 2026-05-28.

Conditions:
CCNO-related disorder. Also called: CCNO-related condition.
Primary ciliary dyskinesia 29. Also called: CILIARY DYSKINESIA, PRIMARY, 29, WITHOUT SITUS INVERSUS. Identifiers: Orphanet 244, MedGen C4014534, MONDO:0014378, OMIM 615872.
Primary ciliary dyskinesia. Also called: Ciliary dyskinesia. Identifiers: Orphanet 244, MedGen C0008780, MONDO:0016575, HP:0012265.

Submissions (14):

PreventionGenetics, part of Exact Sciences
Classification: Pathogenic for CCNO-related condition. Last evaluated: 2026-05-28. Review status: criteria provided, single submitter. Criteria: ACMG Guidelines, 2015. Collection method: clinical testing. Allele origin: germline.
Comment: The CCNO c.248_252dup5 variant is predicted to result in a frameshift and premature protein termination (p.Gly85Cysfs*11). This variant has previously been found in the homozygous state in multiple affected individuals with primary ciliary dyskinesia including one family with four affected homozygous individuals (Wallmeier et al. 2014. PubMed ID: 24747639; Shamseldin et al. 2020. PubMed ID: 32367404; Davis et al. 2019. PubMed ID: 30067075). This variant is reported in 0.013% of alleles in individuals of East Asian descent in gnomAD. Frameshift variants in CCNO are expected to be pathogenic. This variant is interpreted as pathogenic.

Laboratorio de Genetica e Diagnostico Molecular, Hospital Israelita Albert Einstein
Classification: Pathogenic for Primary ciliary dyskinesia 29. Last evaluated: 2026-03-26. Review status: criteria provided, single submitter. Criteria: ACMG Guidelines, 2015. Collection method: clinical testing. Allele origin: germline. Affected: yes.
Comment: ACMG classification criteria: PVS1 very strong, PM2 supporting, PM3 strong

Clinical Genetics and Genomics, Karolinska University Hospital
Classification: Pathogenic for Primary ciliary dyskinesia 29. Last evaluated: 2026-02-09. Review status: criteria provided, single submitter. Criteria: ACMG Guidelines, 2015. Collection method: clinical testing. Allele origin: germline. Inheritance: Autosomal recessive inheritance. Affected: yes.

Genomic Medicine Center of Excellence, King Faisal Specialist Hospital and Research Centre
Classification: Pathogenic for Primary ciliary dyskinesia 29. Last evaluated: 2025-09-10. Review status: criteria provided, single submitter. Criteria: ACMG Guidelines, 2015. Collection method: clinical testing. Allele origin: germline.

Labcorp Genetics (formerly Invitae), Labcorp
Classification: Pathogenic for Primary ciliary dyskinesia. Last evaluated: 2025-03-05. Review status: criteria provided, single submitter. Criteria: Invitae Variant Classification Sherloc (09022015). Collection method: clinical testing. Allele origin: germline.
Comment: This sequence change creates a premature translational stop signal (p.Gly85Cysfs*11) in the CCNO gene. It is expected to result in an absent or disrupted protein product. Loss-of-function variants in CCNO are known to be pathogenic (PMID: 24747639). This variant is present in population databases (rs753409639, gnomAD 0.01%). This premature translational stop signal has been observed in individual(s) with congenital mucociliary clearance disorder (PMID: 24747639). ClinVar contains an entry for this variant (Variation ID: 139599). For these reasons, this variant has been classified as Pathogenic.

Blueprint Genetics
Classification: Pathogenic for CCNO-related disorders. Last evaluated: 2024-11-14. Review status: criteria provided, single submitter. Criteria: ACMG Guidelines, 2015. Collection method: clinical testing. Allele origin: germline. Affected: yes. Observed: 5 variant alleles.

GeneDx
Classification: Pathogenic. Last evaluated: 2024-11-04. Review status: criteria provided, single submitter. Criteria: GeneDx Variant Classification Process June 2021. Collection method: clinical testing. Allele origin: germline. Affected: yes.
Comment: Frameshift variant predicted to result in protein truncation or nonsense mediated decay in a gene for which loss of function is a known mechanism of disease; This variant is associated with the following publications: (PMID: 30067075, 24747639, 32367404, 34210339, 39380637, 38871375, 33942430, 36157652, 38784318)

3billion
Classification: Pathogenic for Primary ciliary dyskinesia 29. Last evaluated: 2024-06-07. Review status: criteria provided, single submitter. Criteria: ACMG Guidelines, 2015. Collection method: clinical testing. Allele origin: germline. Affected: yes.
Comment: The variant is observed at an extremely low frequency in the gnomAD v4.0.0 dataset (total allele frequency: 0.005%). Predicted Consequence/Location: Frameshift: predicted to result in a loss or disruption of normal protein function through nonsense-mediated decay (NMD) or protein truncation. Multiple pathogenic variants are reported downstream of the variant. Functional studies provide moderate evidence of the variant having a damaging effect on the gene or gene product (PMID: 24747639). The variant has been reported at least twice as pathogenic with clinical assertions and evidence for the classification (ClinVar ID: VCV000139599 /PMID: 24747639). Therefore, this variant is classified as Pathogenic according to the recommendation of ACMG/AMP guideline.

Department of Human Genetics, Hannover Medical School
Classification: Pathogenic for Primary ciliary dyskinesia 29. Last evaluated: 2024-01-18. Review status: criteria provided, single submitter. Criteria: ACMG Guidelines, 2015. Collection method: clinical testing. Allele origin: germline. Affected: yes.

Fulgent Genetics
Classification: Pathogenic for Primary ciliary dyskinesia 29. Last evaluated: 2022-04-26. Review status: criteria provided, single submitter. Criteria: ACMG Guidelines, 2015. Collection method: clinical testing. Allele origin: unknown.

Beijing Key Laboratry for Genetics of Birth Defects, Beijing Children's Hospital
Classification: Pathogenic for Primary ciliary dyskinesia 29. Last evaluated: 2020-12-20. Review status: criteria provided, single submitter. Criteria: ACMG Guidelines, 2015. Collection method: clinical testing. Allele origin: germline. Affected: yes. Observed: 1 variant allele.

Juno Genomics, Hangzhou Juno Genomics, Inc
Classification: Pathogenic for Primary ciliary dyskinesia 29. Review status: criteria provided, single submitter. Criteria: ACMG Guidelines, 2015. Collection method: clinical testing. Allele origin: germline.
Comment: Absent from controls (or at extremely low frequency if recessive) in Genome Aggregation Database.;Null variant in a gene where loss of function (LOF) is a known mechanism of disease.;For recessive disorders, detected in trans with a pathogenic variant.

Yale Center for Mendelian Genomics, Yale University
Classification: Likely pathogenic for Primary ciliary dyskinesia. Last evaluated: 2018-08-01. Review status: no assertion criteria provided. Collection method: literature only. Allele origin: germline. Affected: yes. Observed: 2 compound heterozygotes, 2 homozygotes. Study: Yale Center for Mendelian Genomics. Not counted in ClinVar's aggregate classification.

OMIM
Classification: Pathogenic for CILIARY DYSKINESIA, PRIMARY, 29. Last evaluated: 2014-06-01. Review status: no assertion criteria provided. Collection method: literature only. Allele origin: germline. Not counted in ClinVar's aggregate classification.

Literature cited by the submitters: PubMed 24747639 (cited by 4 submitters); PubMed 30067075 (cited by Beijing Key Laboratry for Genetics of Birth Defects, Beijing Children's Hospital and Yale Center for Mendelian Genomics, Yale University); PubMed 32367404 (cited by Beijing Key Laboratry for Genetics of Birth Defects, Beijing Children's Hospital).